The following is an entry in ClinVar:

NM_001371986.1(UNC80):c.4742A>C (p.Asn1581Thr)

Gene: UNC80 (unc-80 subunit of NALCN channel complex; plus strand). Cytogenetic location: 2q34.
Variant type: single nucleotide variant.
Coding change: c.4742A>C on transcript NM_001371986.1 (MANE Select); coding-DNA position 4742, A replaced by C.
Protein change: p.Asn1581Thr; replaces asparagine 1581 with threonine.
Molecular consequence: missense variant.
Genome position (GRCh38, 1-based): chr2:209,904,925, A>C. VCF-style: chr2-209904925-A-C. GRCh37 (hg19) VCF-style: chr2-210769649-A-C.
Other names: c.4544A>C, p.Asn1515Thr (NM_032504.2); c.4529A>C, p.Asn1510Thr (NM_182587.4); short protein forms N1510T, N1515T, N1581T.
Identifiers: ClinVar variation 1715354 (VCV001715354.5), dbSNP rs2471105930, ClinGen allele CA350755608.
Genomic context (GRCh38, chr2:209,904,925, plus strand): 5'-TGGTCAGAGCCATCAAGCTACTCTATGGAGACAGTGTGGACTCCCTGAGGGAAAGCAGCA[A>C]CATCAGCAGTGTGGCTCTCCGGGGCAAGAAACAGAAAGAAGTAAGTAAATGACCATTGAA-3'
Protein context (NP_001358915.1, residues 1571-1591): DSVDSLRESS[Asn1581Thr]ISSVALRGKK

ClinVar aggregate classification (germline): Uncertain significance (1 of 4 stars; one submission).

Submission:

Labcorp Genetics (formerly Invitae), Labcorp
Classification: Uncertain significance. Last evaluated: 2022-08-06. Review status: criteria provided, single submitter. Criteria: Invitae Variant Classification Sherloc (09022015). Collection method: clinical testing. Allele origin: germline.
Comment: This sequence change replaces asparagine, which is neutral and polar, with threonine, which is neutral and polar, at codon 1515 of the UNC80 protein (p.Asn1515Thr). This variant is not present in population databases (gnomAD no frequency). In summary, the available evidence is currently insufficient to determine the role of this variant in disease. Therefore, it has been classified as a Variant of Uncertain Significance. Algorithms developed to predict the effect of missense changes on protein structure and function output the following: SIFT: "Not Available"; PolyPhen-2: "Benign"; Align-GVGD: "Not Available". The threonine amino acid residue is found in multiple mammalian species, which suggests that this missense change does not adversely affect protein function. This variant has not been reported in the literature in individuals affected with UNC80-related conditions.